The following is an entry in ClinVar:

NM_015474.4(SAMHD1):c.767A>C (p.Gln256Pro)

Gene: SAMHD1 (SAM and HD domain containing deoxynucleoside triphosphate triphosphohydrolase 1; minus strand). Cytogenetic location: 20q11.23.
Variant type: single nucleotide variant.
Coding change: c.767A>C on transcript NM_015474.4 (MANE Select); coding-DNA position 767, A replaced by C.
Protein change: p.Gln256Pro; replaces glutamine 256 with proline.
Molecular consequence: missense variant.
Genome position (GRCh38, 1-based): chr20:36,919,449, T>G on the plus strand (A>C on the coding strand, the complement: SAMHD1 is on the minus strand). VCF-style: chr20-36919449-T-G. GRCh37 (hg19) VCF-style: chr20-35547852-T-G.
Other names: c.767A>C, p.Gln256Pro (NM_001363729.2, NM_001363733.2); short protein forms Q256P.
Identifiers: ClinVar variation 2627134 (VCV002627134.1), dbSNP rs2063493251, ClinGen allele CA408846428.

ClinVar aggregate classification (germline): Uncertain significance (1 of 4 stars; one submission).

Allele frequency attached by ClinVar (database versions not stated): TOPMed below 0.00001; gnomAD 0.00001.
gnomAD v4.1: 1 of 1,613,350 alleles (0.000062%); highest among the groups gnomAD compares: Non-Finnish European, 0.000085%; no homozygotes.

Submission:

Women's Health and Genetics/Laboratory Corporation of America, LabCorp
Classification: Uncertain significance. Last evaluated: 2023-09-06. Review status: criteria provided, single submitter. Criteria: LabCorp Variant Classification Summary - May 2015. Collection method: clinical testing. Allele origin: germline.
Comment: Variant summary: SAMHD1 c.767A>C (p.Gln256Pro) results in a non-conservative amino acid change located in the HD/PDEase domain (IPR003607) of the encoded protein sequence. Four of five in-silico tools predict a benign effect of the variant on protein function. The variant allele was found at a frequency of 6.6e-06 in 150990 control chromosomes (gnomAD v3.1, genomes dataset). The available data on variant occurrences in the general population are insufficient to allow any conclusion about variant significance. To our knowledge, no occurrence of c.767A>C in individuals affected with Aicardi Goutieres Syndrome and no experimental evidence demonstrating its impact on protein function have been reported. No submitters have cited clinical-significance assessments for this variant to ClinVar after 2014. Based on the evidence outlined above, the variant was classified as uncertain significance.